The following is an entry in ClinVar:

NM_199420.4(POLQ):c.969G>T (p.Glu323Asp)

Gene: POLQ (DNA polymerase theta; minus strand). Cytogenetic location: 3q13.33.
Variant type: single nucleotide variant.
Coding change: c.969G>T on transcript NM_199420.4 (MANE Select); coding-DNA position 969, G replaced by T.
Protein change: p.Glu323Asp; replaces glutamic acid 323 with aspartic acid.
Molecular consequence: missense variant.
Genome position (GRCh38, 1-based): chr3:121,529,784, C>A on the plus strand (G>T on the coding strand, the complement: POLQ is on the minus strand). VCF-style: chr3-121529784-C-A. GRCh37 (hg19) VCF-style: chr3-121248631-C-A.
Other names: short protein forms E323D.
Identifiers: ClinVar variation 3422532 (VCV003422532.1).

ClinVar aggregate classification (germline): Uncertain significance (1 of 4 stars; one submission).

gnomAD v4.1: 2 of 1,608,898 alleles (0.00012%); highest among the groups gnomAD compares: Middle Eastern, 0.016%; no homozygotes.

Submission:

Ambry Genetics
Classification: Uncertain significance. Last evaluated: 2024-09-05. Review status: criteria provided, single submitter. Criteria: Ambry Variant Classification Scheme 2023. Collection method: clinical testing. Allele origin: germline.
Comment: The p.E323D variant (also known as c.969G>T), located in coding exon 7 of the POLQ gene, results from a G to T substitution at nucleotide position 969. The glutamic acid at codon 323 is replaced by aspartic acid, an amino acid with highly similar properties. This amino acid position is conserved. In addition, this alteration is predicted to be tolerated by in silico analysis. Based on the available evidence, the clinical significance of this variant remains unclear.